The following is an entry in ClinVar:

NM_133372.3(FNIP1):c.2797A>C (p.Ile933Leu)

Gene: FNIP1 (folliculin interacting protein 1; minus strand). Cytogenetic location: 5q31.1.
Variant type: single nucleotide variant.
Coding change: c.2797A>C on transcript NM_133372.3 (MANE Select); coding-DNA position 2797, A replaced by C.
Protein change: p.Ile933Leu; replaces isoleucine 933 with leucine.
Molecular consequence: missense variant.
Genome position (GRCh38, 1-based): chr5:131,671,647, T>G on the plus strand (A>C on the coding strand, the complement: FNIP1 is on the minus strand). VCF-style: chr5-131671647-T-G. GRCh37 (hg19) VCF-style: chr5-131007340-T-G.
Other names: c.2713A>C, p.Ile905Leu (NM_001008738.3); c.2662A>C, p.Ile888Leu (NM_001346114.2); short protein forms I888L, I905L, I933L.
Identifiers: ClinVar variation 1925492 (VCV001925492.5), dbSNP rs374086314, ClinGen allele CA3400462.

ClinVar aggregate classification (germline): Uncertain significance (1 of 4 stars; one submission).

Allele frequency attached by ClinVar (database versions not stated): ExAC 0.00001; gnomAD 0.00003; TOPMed 0.00004; ESP Exome Variant Server 0.00008.
gnomAD v4.1: 14 of 1,614,074 alleles (0.00087%); highest among the groups gnomAD compares: African/African-American, 0.008%; no homozygotes.

Submission:

Labcorp Genetics (formerly Invitae), Labcorp
Classification: Uncertain significance. Last evaluated: 2025-03-04. Review status: criteria provided, single submitter. Criteria: Invitae Variant Classification Sherloc (09022015). Collection method: clinical testing. Allele origin: germline.
Comment: This sequence change replaces isoleucine, which is neutral and non-polar, with leucine, which is neutral and non-polar, at codon 933 of the FNIP1 protein (p.Ile933Leu). This variant is present in population databases (rs374086314, gnomAD 0.004%). This variant has not been reported in the literature in individuals affected with FNIP1-related conditions. ClinVar contains an entry for this variant (Variation ID: 1925492). An algorithm developed to predict the effect of missense changes on protein structure and function (PolyPhen-2) suggests that this variant is likely to be disruptive. In summary, the available evidence is currently insufficient to determine the role of this variant in disease. Therefore, it has been classified as a Variant of Uncertain Significance.